The following is an entry in ClinVar:

NM_000532.5(PCCB):c.58G>A (p.Gly20Ser)

Gene: PCCB (propionyl-CoA carboxylase subunit beta; plus strand). Cytogenetic location: 3q22.3.
Variant type: single nucleotide variant.
Coding change: c.58G>A on transcript NM_000532.5 (MANE Select); coding-DNA position 58, G replaced by A.
Protein change: p.Gly20Ser; replaces glycine 20 with serine.
Molecular consequence: missense variant.
Genome position (GRCh38, 1-based): chr3:136,250,433, G>A. VCF-style: chr3-136250433-G-A. GRCh37 (hg19) VCF-style: chr3-135969275-G-A.
Other names: c.58G>A, p.Gly20Ser (NM_001178014.2); short protein forms G20S.
Identifiers: ClinVar variation 1442156 (VCV001442156.5), dbSNP rs777726717, ClinGen allele CA2631558.

ClinVar aggregate classification (germline): Uncertain significance (1 of 4 stars; one submission).

Conditions:
Propionic acidemia (PROP). Also called: GLYCINEMIA, KETOTIC; HYPERGLYCINEMIA WITH KETOACIDOSIS AND LEUKOPENIA; KETOTIC HYPERGLYCINEMIA. Identifiers: Orphanet 35, MedGen C0268579, MONDO:0011628, OMIM 606054, HP:0003571.

Allele frequency attached by ClinVar (database versions not stated): TOPMed below 0.00001.
gnomAD v4.1: 6 of 1,595,434 alleles (0.00038%); highest among the groups gnomAD compares: South Asian, 0.0068%; no homozygotes.

Submission:

Labcorp Genetics (formerly Invitae), Labcorp
Classification: Uncertain significance for Propionic acidemia. Last evaluated: 2021-08-28. Review status: criteria provided, single submitter. Criteria: Invitae Variant Classification Sherloc (09022015). Collection method: clinical testing. Allele origin: germline.
Comment: This sequence change replaces glycine with serine at codon 20 of the PCCB protein (p.Gly20Ser). The glycine residue is highly conserved and there is a small physicochemical difference between glycine and serine. The frequency data for this variant in the population databases is considered unreliable, as metrics indicate poor data quality at this position in the ExAC database. This variant has not been reported in the literature in individuals affected with PCCB-related conditions. Algorithms developed to predict the effect of missense changes on protein structure and function output the following: SIFT: "Tolerated"; PolyPhen-2: "Benign"; Align-GVGD: "Class C0". The serine amino acid residue is found in multiple mammalian species, which suggests that this missense change does not adversely affect protein function. Algorithms developed to predict the effect of sequence changes on RNA splicing suggest that this variant may create or strengthen a splice site. In summary, the available evidence is currently insufficient to determine the role of this variant in disease. Therefore, it has been classified as a Variant of Uncertain Significance.